The following is an entry in ClinVar:

NM_001367624.2(ZNF469):c.10184A>G (p.Glu3395Gly)

Gene: ZNF469 (zinc finger protein 469; plus strand). Cytogenetic location: 16q24.2.
Variant type: single nucleotide variant.
Coding change: c.10184A>G on transcript NM_001367624.2 (MANE Select); coding-DNA position 10184, A replaced by G.
Protein change: p.Glu3395Gly; replaces glutamic acid 3395 with glycine.
Molecular consequence: missense variant.
Genome position (GRCh38, 1-based): chr16:88,437,654, A>G. VCF-style: chr16-88437654-A-G. GRCh37 (hg19) VCF-style: chr16-88504062-A-G.
Other names: short protein forms E3395G.
Identifiers: ClinVar variation 432843 (VCV000432843.2), dbSNP rs900191925, ClinGen allele CA286386254.

ClinVar aggregate classification (germline): Uncertain significance. Review status: criteria provided, multiple submitters, no conflicts (2 of 4 stars). 2 submissions from 2 submitters: Uncertain significance (2). Last evaluated 2025-03-05.

Allele frequency attached by ClinVar (database versions not stated): TOPMed 0.00001; gnomAD 0.00003.

Submissions (2):

Labcorp Genetics (formerly Invitae), Labcorp
Classification: Uncertain significance. Last evaluated: 2025-03-05. Review status: criteria provided, single submitter. Criteria: Invitae Variant Classification Sherloc (09022015). Collection method: clinical testing. Allele origin: germline.
Comment: This sequence change replaces glutamic acid, which is acidic and polar, with glycine, which is neutral and non-polar, at codon 3367 of the ZNF469 protein (p.Glu3367Gly). This variant is present in population databases (no rsID available, gnomAD 0.01%). This variant has not been reported in the literature in individuals affected with ZNF469-related conditions. ClinVar contains an entry for this variant (Variation ID: 432843). An algorithm developed to predict the effect of missense changes on protein structure and function (PolyPhen-2) suggests that this variant is likely to be disruptive. In summary, the available evidence is currently insufficient to determine the role of this variant in disease. Therefore, it has been classified as a Variant of Uncertain Significance.

GeneDx
Classification: Uncertain significance. Last evaluated: 2017-06-22. Review status: criteria provided, single submitter. Criteria: GeneDx Variant Classification (06012015). Collection method: clinical testing. Allele origin: germline. Affected: yes.
Comment: A variant of uncertain significance has been identified in the ZNF469 gene. The E3367G variant has not been published as pathogenic or been reported as benign to our knowledge. The E3367G variant is a non-conservative amino acid substitution, which is likely to impact secondary protein structure as these residues differ in polarity, charge, size and/or other properties. In silico analysis predicts this variant is probably damaging to the protein structure/function. However, this substitution occurs at a position that is only conserved in mammals. Finally, no data are available from control populations to assess the frequency of this variant.